The following is an entry in ClinVar:

ClinVar aggregate classification (germline): Uncertain significance (1 of 4 stars; one submission).

Allele frequency attached by ClinVar (database versions not stated): gnomAD 0.00001.
gnomAD v4.1: 1 of 1,612,992 alleles (0.000062%); highest among the groups gnomAD compares: African/African-American, 0.0013%; no homozygotes.

Submission:

Labcorp Genetics (formerly Invitae), Labcorp
Classification: Uncertain significance. Last evaluated: 2021-09-30. Review status: criteria provided, single submitter. Criteria: Invitae Variant Classification Sherloc (09022015). Collection method: clinical testing. Allele origin: germline.
Comment: This sequence change affects codon 43 of the CD40 mRNA. It is a 'silent' change, meaning that it does not change the encoded amino acid sequence of the CD40 protein. This variant is not present in population databases (ExAC no frequency). This variant has not been reported in the literature in individuals with CD40-related conditions. Algorithms developed to predict the effect of sequence changes on RNA splicing suggest that this variant may disrupt the consensus splice site, but this prediction has not been confirmed by published transcriptional studies. In summary, the available evidence is currently insufficient to determine the role of this variant in disease. Therefore, it has been classified as a Variant of Uncertain Significance.

NM_001250.6(CD40):c.129A>G (p.Pro43=)

Gene: CD40 (CD40 molecule; plus strand). Cytogenetic location: 20q13.12.
Variant type: single nucleotide variant.
Coding change: c.129A>G on transcript NM_001250.6 (MANE Select); coding-DNA position 129, A replaced by G.
Protein change: p.Pro43=; no amino-acid change (proline 43 retained).
Molecular consequence: synonymous variant. On other transcripts: non-coding transcript variant (2).
Genome position (GRCh38, 1-based): chr20:46,121,897, A>G. VCF-style: chr20-46121897-A-G. GRCh37 (hg19) VCF-style: chr20-44750536-A-G.
Other names: c.129A>G, p.Pro43= (NM_001302753.2, NM_001322421.2, NM_001322422.2 and 2 more transcripts).
Identifiers: ClinVar variation 1525308 (VCV001525308.5), dbSNP rs2085325980, ClinGen allele CA510653625.